The following is an entry in ClinVar:

NM_001943.5(DSG2):c.1072G>A (p.Ala358Thr)

Gene: DSG2 (desmoglein 2; plus strand). Cytogenetic location: 18q12.1.
Variant type: single nucleotide variant.
Coding change: c.1072G>A on transcript NM_001943.5 (MANE Select); coding-DNA position 1072, G replaced by A.
Protein change: p.Ala358Thr; replaces alanine 358 with threonine.
Molecular consequence: missense variant.
Genome position (GRCh38, 1-based): chr18:31,531,044, G>A. VCF-style: chr18-31531044-G-A. GRCh37 (hg19) VCF-style: chr18-29111007-G-A.
Other names: p.A358T:GCA>ACA; c.1072G>A (LRG_397t1); short protein forms A358T.
Identifiers: ClinVar variation 199805 (VCV000199805.27), dbSNP rs758537946, ClinGen allele CA021268.

ClinVar aggregate classification (germline): Uncertain significance. Review status: criteria provided, multiple submitters, no conflicts (2 of 4 stars). 6 submissions from 6 submitters: Uncertain significance (6). Last evaluated 2026-01-21.

Conditions:
Cardiovascular phenotype. Identifiers: MedGen CN230736.
Arrhythmogenic right ventricular cardiomyopathy (ARVD). Also called: Arrhythmogenic cardiomyopathy; Arrhythmogenic Right Ventricular Cardiomyopathy (ARVC); Cardiomyopathy, ARVC; Arrhythmogenic right ventricular dysplasia. Identifiers: Orphanet 247, MedGen C0349788, MeSH D019571, MONDO:0016587. Disease mechanism: loss of function. Inheritance: Various modes of inheritance.
Cardiomyopathy (CMYO). Also called: Cardiomyopathies. Identifiers: Orphanet 167848, MedGen C0878544, MONDO:0004994, HP:0001638. Inheritance: Various modes of inheritance.
Arrhythmogenic right ventricular dysplasia 10. Also called: Arrhythmogenic right ventricular dysplasia/cardiomyopathy, type 10; Arrhythmogenic Right Ventricular Dysplasia/Cardiomyopathy10; ARRHYTHMOGENIC RIGHT VENTRICULAR DYSPLASIA, FAMILIAL, 10. Identifiers: MedGen C1857777, MONDO:0012434, OMIM 610193.

Allele frequency attached by ClinVar (database versions not stated): gnomAD exomes below 0.00001 and 0.00001; gnomAD 0.00001; TOPMed 0.00001; ExAC 0.00002.
gnomAD v4.1: 8 of 1,613,960 alleles (0.0005%); highest among the groups gnomAD compares: South Asian, 0.0022%; no homozygotes.

Submissions (6):

GeneDx
Classification: Uncertain significance. Last evaluated: 2026-01-21. Review status: criteria provided, single submitter. Criteria: GeneDx Variant Classification Process June 2021. Collection method: clinical testing. Allele origin: germline. Affected: yes.
Comment: In silico analysis supports that this missense variant has a deleterious effect on protein structure/function; Not observed at significant frequency in large population cohorts (gnomAD); This variant is associated with the following publications: (PMID: 21636032, 25820315, 21606396, 23178689, 29016939, 34998950)

Color Diagnostics, LLC DBA Color Health
Classification: Uncertain significance for Cardiomyopathy. Last evaluated: 2025-07-15. Review status: criteria provided, single submitter. Criteria: ACMG Guidelines, 2015. Collection method: clinical testing. Allele origin: germline.
Comment: This missense variant replaces alanine with threonine at codon 358 of the DSG2 protein. Computational prediction suggests that this variant may not impact protein structure and function. To our knowledge, functional studies have not been reported for this variant. This variant has been reported in four unrelated individuals affected with arrhythmogenic cardiomyopathy (PMID: 21636032, 25820315, 34998950). One of these individuals also carried a pathogenic variant in the PKP2 gene (PMID: 25820315). This variant has also been reported in an invividual affected with sudden unexplained death (PMID: 29016939). This variant has been identified in 2/249360 chromosomes in the general population by the Genome Aggregation Database (gnomAD). The available evidence is insufficient to determine the role of this variant in disease conclusively. Therefore, this variant is classified as a Variant of Uncertain Significance.

All of Us Research Program, National Institutes of Health
Classification: Uncertain significance for Arrhythmogenic right ventricular cardiomyopathy. Last evaluated: 2023-06-28. Review status: criteria provided, single submitter. Criteria: ACMG Guidelines, 2015. Collection method: clinical testing. Allele origin: germline. Inheritance: Autosomal dominant inheritance. Observed: 3 variant alleles, 3 heterozygotes.
Comment: This missense variant replaces alanine with threonine at codon 358 of the DSG2 protein. Computational prediction suggests that this variant may not impact protein structure and function (internally defined REVEL score threshold <= 0.5, PMID: 27666373). To our knowledge, functional studies have not been reported for this variant. This variant has been reported in four unrelated individuals affected with arrhythmogenic cardiomyopathy (PMID: 21636032, 25820315, 34998950). One of these individuals also carried a pathogenic variant in the PKP2 gene (PMID: 25820315). This variant has also been reported in an invividual affected with sudden unexplained death (PMID: 29016939). This variant has been identified in 2/249360 chromosomes in the general population by the Genome Aggregation Database (gnomAD). The available evidence is insufficient to determine the role of this variant in disease conclusively. Therefore, this variant is classified as a Variant of Uncertain Significance.

This study involves interpretation of variants in research participants for the purpose of population health screening. Participant phenotype was not available at the time of variant classification. Additional details can be found in publication PMID: 35346344, PMCID: PMC8962531

Ambry Genetics
Classification: Uncertain significance for Cardiovascular phenotype. Last evaluated: 2022-12-14. Review status: criteria provided, single submitter. Criteria: Ambry Variant Classification Scheme 2023. Collection method: clinical testing. Allele origin: germline.
Comment: The p.A358T variant (also known as c.1072G>A), located in coding exon 9 of the DSG2 gene, results from a G to A substitution at nucleotide position 1072. The alanine at codon 358 is replaced by threonine, an amino acid with similar properties. This alteration has been reported in arrhythmogenic right ventricular cardiomyopathy (ARVC) cohorts; however, clinical details were limited and additional alterations in other ARVC-related genes were identified (Cox MG et al. Circulation, 2011 Jun;123:2690-700; Groeneweg JA et al. Circ Cardiovasc Genet, 2015 Jun;8:437-46; Hellenthal N et al. Europace, 2017 Nov;19:1881-1890). This amino acid position is highly conserved in available vertebrate species. In addition, this alteration is predicted to be tolerated by in silico analysis. Since supporting evidence is limited at this time, the clinical significance of this alteration remains unclear.

Labcorp Genetics (formerly Invitae), Labcorp
Classification: Uncertain significance for Arrhythmogenic right ventricular dysplasia 10. Last evaluated: 2022-12-10. Review status: criteria provided, single submitter. Criteria: Invitae Variant Classification Sherloc (09022015). Collection method: clinical testing. Allele origin: germline.
Comment: Advanced modeling of protein sequence and biophysical properties (such as structural, functional, and spatial information, amino acid conservation, physicochemical variation, residue mobility, and thermodynamic stability) performed at Invitae indicates that this missense variant is not expected to disrupt DSG2 protein function. In summary, the available evidence is currently insufficient to determine the role of this variant in disease. Therefore, it has been classified as a Variant of Uncertain Significance. This sequence change replaces alanine, which is neutral and non-polar, with threonine, which is neutral and polar, at codon 358 of the DSG2 protein (p.Ala358Thr). This variant is present in population databases (rs758537946, gnomAD 0.002%). This missense change has been observed in individual(s) with arrhythmogenic cardiomyopathy (PMID: 21636032, 25820315). ClinVar contains an entry for this variant (Variation ID: 199805).

Illumina Laboratory Services, Illumina
Classification: Uncertain significance for Arrhythmogenic right ventricular dysplasia 10. Last evaluated: 2017-04-28. Review status: criteria provided, single submitter. Criteria: ICSL Variant Classification Criteria 13 December 2019. Collection method: clinical testing. Allele origin: germline.
Comment: This variant was observed as part of a predisposition screen in an ostensibly healthy population. A literature search was performed for the gene, cDNA change, and amino acid change (where applicable). Publications were found based on this search. However, the evidence from the literature, in combination with allele frequency data from public databases where available, was not sufficient to rule this variant in or out of causing disease. Therefore, this variant is classified as a variant of unknown significance.

Literature cited by the submitters: PubMed 21636032 (cited by 4 submitters); PubMed 25820315 (cited by 5 submitters); PubMed 29016939 (cited by 3 submitters); PubMed 34998950 (cited by Color Diagnostics, LLC DBA Color Health and All of Us Research Program, National Institutes of Health); PubMed 21606396 (cited by Ambry Genetics and Illumina Laboratory Services, Illumina); PubMed 23178689 (cited by Illumina Laboratory Services, Illumina).